The following is an entry in ClinVar:

NM_000465.4(BARD1):c.159-14_159-13del

Gene: BARD1 (BRCA1 associated RING domain 1; minus strand). Cytogenetic location: 2q35.
Variant type: Deletion.
Coding change: c.159-14_159-13del on transcript NM_000465.4 (MANE Select); 14 bases into the intron before coding-DNA position 159 through 13 bases into the intron before coding-DNA position 159, 2 bases deleted (AT; older notation c.159-14_159-13delAT).
Molecular consequence: intron variant.
Genome position (GRCh38, 1-based): chr2:214,797,130-214,797,131, AT deleted on the plus strand (AT on the coding strand, the reverse complement: BARD1 is on the minus strand). VCF-style (leftmost placement, unchanged base first): chr2-214797129-AAT-A. GRCh37 (hg19) VCF-style: chr2-215661853-AAT-A.
Other names: c.158+12281_158+12282del (NM_001282548.2); c.159-4686_159-4685del (NM_001282543.2); c.159-14_159-13del (NM_001282545.2, NM_001282549.2).
Identifiers: ClinVar variation 3076198 (VCV003076198.1), dbSNP rs2469582476, ClinGen allele CA2825001085.

ClinVar aggregate classification (germline): Uncertain significance (1 of 4 stars; one submission).

Conditions:
Hereditary cancer-predisposing syndrome. Also called: Neoplastic Syndromes, Hereditary; Tumor predisposition; Hereditary neoplastic syndrome; Hereditary Cancer Syndrome. Identifiers: Orphanet 140162, MedGen C0027672, MeSH D009386, MONDO:0015356.

Submission:

Ambry Genetics
Classification: Uncertain significance for Hereditary cancer-predisposing syndrome. Last evaluated: 2015-07-09. Review status: criteria provided, single submitter. Criteria: Ambry Variant Classification Scheme 2023. Collection method: clinical testing. Allele origin: germline.
Comment: The c.159-14_159-13delAT alteration is located in Intron 1 (E) of the BARD1 gene. This alteration consists of a deletion of 2 nucleotides at nucleotide position c.159-14 Intron 1 (E). Based on insufficient or conflicting evidence, the clinical significance of this alteration remains unclear.